The following is an entry in ClinVar:

NM_000283.4(PDE6B):c.2193+2T>G

Gene: PDE6B (phosphodiesterase 6B; plus strand). Cytogenetic location: 4p16.3.
Variant type: single nucleotide variant.
Coding change: c.2193+2T>G on transcript NM_000283.4 (MANE Select); the canonical splice donor site of the intron after coding-DNA position 2193, T replaced by G.
Molecular consequence: splice donor variant.
Genome position (GRCh38, 1-based): chr4:664,946, T>G. VCF-style: chr4-664946-T-G. GRCh37 (hg19) VCF-style: chr4-658735-T-G.
Other names: c.2193+2T>G (NM_001145291.2); c.1356+2T>G (NM_001379246.1, NM_001379247.1, NM_001145292.2 and 1 more transcripts); c.1038+2T>G (NM_001350155.3).
Identifiers: ClinVar variation 1933519 (VCV001933519.6), dbSNP rs748750637, ClinGen allele CA2794919.

ClinVar aggregate classification (germline): Pathogenic. Review status: criteria provided, multiple submitters, no conflicts (2 of 4 stars). 2 submissions from 2 submitters: Pathogenic (2). Last evaluated 2026-01-19.

Conditions:
PDE6B-related disorder. Also called: PDE6B-related disease; PDE6B-related condition; PDE6B-related disorders.

Allele frequency attached by ClinVar (database versions not stated): gnomAD exomes below 0.00001; ExAC 0.00001.
gnomAD v4.1: 2 of 1,610,668 alleles (0.00012%); highest among the groups gnomAD compares: Admixed American, 0.0033%; no homozygotes.

Submissions (2):

Labcorp Genetics (formerly Invitae), Labcorp
Classification: Pathogenic. Last evaluated: 2026-01-19. Review status: criteria provided, single submitter. Criteria: Invitae Variant Classification Sherloc (09022015). Collection method: clinical testing. Allele origin: germline.
Comment: This sequence change affects a donor splice site in intron 18 of the PDE6B gene. It is expected to disrupt RNA splicing. Variants that disrupt the donor or acceptor splice site typically lead to a loss of protein function (PMID: 16199547), and loss-of-function variants in PDE6B are known to be pathogenic (PMID: 8394174, 8595886, 22334370). This variant is present in population databases (rs748750637, gnomAD 0.006%). Disruption of this splice site has been observed in individual(s) with clinical features of autosomal recessive PDE6B-related conditions (PMID: 30998820). In at least one individual the data is consistent with being in trans (on the opposite chromosome) from a pathogenic variant. ClinVar contains an entry for this variant (Variation ID: 1933519). Algorithms developed to predict the effect of sequence changes on RNA splicing suggest that this variant may disrupt the consensus splice site. For these reasons, this variant has been classified as Pathogenic.

Blueprint Genetics
Classification: Pathogenic for PDE6B-related disorders. Last evaluated: 2019-07-02. Review status: criteria provided, single submitter. Criteria: ACMG Guidelines, 2015. Collection method: clinical testing. Allele origin: germline. Affected: yes. Observed: 2 variant alleles.

Literature cited by the submitters: PubMed 16199547 (cited by Labcorp Genetics (formerly Invitae), Labcorp); PubMed 8394174 (cited by Labcorp Genetics (formerly Invitae), Labcorp); PubMed 8595886 (cited by Labcorp Genetics (formerly Invitae), Labcorp); PubMed 22334370 (cited by Labcorp Genetics (formerly Invitae), Labcorp); PubMed 30998820 (cited by Labcorp Genetics (formerly Invitae), Labcorp).